The following is an entry in ClinVar:

NM_001122955.4(BSCL2):c.400T>C (p.Tyr134His)

Genes: BSCL2 (BSCL2 lipid droplet biogenesis associated, seipin; minus strand), HNRNPUL2-BSCL2 (HNRNPUL2-BSCL2 readthrough (NMD candidate); minus strand). Cytogenetic location: 11q12.3.
Variant type: single nucleotide variant.
Coding change: c.400T>C on transcript NM_001122955.4 (MANE Select); coding-DNA position 400, T replaced by C.
Protein change: p.Tyr134His; replaces tyrosine 134 with histidine.
Molecular consequence: missense variant. On other transcripts: non-coding transcript variant (1).
Genome position (GRCh38, 1-based): chr11:62,705,305, A>G on the plus strand (T>C on the coding strand, the complement: BSCL2 is on the minus strand). VCF-style: chr11-62705305-A-G. GRCh37 (hg19) VCF-style: chr11-62472777-A-G.
Other names: c.208T>C, p.Tyr70His (NM_001130702.2, NM_032667.6); c.400T>C, p.Tyr134His (NM_001386027.1, NM_001386028.1); short protein forms Y70H, Y134H.
Identifiers: ClinVar variation 3696702 (VCV003696702.2).

ClinVar aggregate classification (germline): Uncertain significance (1 of 4 stars; one submission).

Conditions:
Charcot-Marie-Tooth disease type 2. Also called: Charcot-Marie-Tooth type 2. Identifiers: Orphanet 64746, MedGen C0270914, MONDO:0018993.

gnomAD v4.1: 2 of 1,610,550 alleles (0.00012%); highest among the groups gnomAD compares: Non-Finnish European, 0.00017%; no homozygotes.

Submission:

Labcorp Genetics (formerly Invitae), Labcorp
Classification: Uncertain significance for Charcot-Marie-Tooth disease type 2. Last evaluated: 2024-04-25. Review status: criteria provided, single submitter. Criteria: Invitae Variant Classification Sherloc (09022015). Collection method: clinical testing. Allele origin: germline.
Comment: This sequence change replaces tyrosine, which is neutral and polar, with histidine, which is basic and polar, at codon 70 of the BSCL2 protein (p.Tyr70His). The frequency data for this variant in the population databases is considered unreliable, as metrics indicate poor data quality at this position in the gnomAD database. This variant has not been reported in the literature in individuals affected with BSCL2-related conditions. Advanced modeling of protein sequence and biophysical properties (such as structural, functional, and spatial information, amino acid conservation, physicochemical variation, residue mobility, and thermodynamic stability) performed at Invitae indicates that this missense variant is expected to disrupt BSCL2 protein function with a positive predictive value of 80%. In summary, the available evidence is currently insufficient to determine the role of this variant in disease. Therefore, it has been classified as a Variant of Uncertain Significance.